The following is an entry in ClinVar:

ClinVar aggregate classification (germline): Uncertain significance. Review status: criteria provided, multiple submitters, no conflicts (2 of 4 stars). 2 submissions from 2 submitters: Uncertain significance (2). Last evaluated 2025-03-06.

Conditions:
Inborn genetic diseases. Identifiers: MedGen C0950123, MeSH D030342.

Allele frequency attached by ClinVar (database versions not stated): gnomAD exomes 0.00001 and 0.00003; gnomAD 0.00002 and 0.00003; TOPMed 0.00002.
gnomAD v4.1: 54 of 1,614,184 alleles (0.0033%); highest among the groups gnomAD compares: Non-Finnish European, 0.0042%; no homozygotes.

Submissions (2):

Ambry Genetics
Classification: Uncertain significance for Inborn genetic diseases. Last evaluated: 2025-03-06. Review status: criteria provided, single submitter. Criteria: Ambry Variant Classification Scheme 2023. Collection method: clinical testing. Allele origin: germline.

Labcorp Genetics (formerly Invitae), Labcorp
Classification: Uncertain significance. Last evaluated: 2022-02-19. Review status: criteria provided, single submitter. Criteria: Invitae Variant Classification Sherloc (09022015). Collection method: clinical testing. Allele origin: germline.
Comment: This sequence change replaces tyrosine, which is neutral and polar, with cysteine, which is neutral and slightly polar, at codon 4369 of the VPS13D protein (p.Tyr4369Cys). This variant is present in population databases (no rsID available, gnomAD 0.006%). This variant has not been reported in the literature in individuals affected with VPS13D-related conditions. Algorithms developed to predict the effect of missense changes on protein structure and function are either unavailable or do not agree on the potential impact of this missense change (SIFT: "Deleterious"; PolyPhen-2: "Probably Damaging"; Align-GVGD: "Class C0"). In summary, the available evidence is currently insufficient to determine the role of this variant in disease. Therefore, it has been classified as a Variant of Uncertain Significance.

NM_015378.4(VPS13D):c.13106A>G (p.Tyr4369Cys)

Gene: VPS13D (vacuolar protein sorting 13 homolog D; plus strand). Cytogenetic location: 1p36.21.
Variant type: single nucleotide variant.
Coding change: c.13106A>G on transcript NM_015378.4 (MANE Select); coding-DNA position 13106, A replaced by G.
Protein change: p.Tyr4369Cys; replaces tyrosine 4369 with cysteine.
Molecular consequence: missense variant.
Genome position (GRCh38, 1-based): chr1:12,508,963, A>G. VCF-style: chr1-12508963-A-G. GRCh37 (hg19) VCF-style: chr1-12569017-A-G.
Other names: c.13031A>G, p.Tyr4344Cys (NM_018156.4); c.13106A>G (NM_015378.2); short protein forms Y4344C, Y4369C.
Identifiers: ClinVar variation 1448901 (VCV001448901.4), dbSNP rs987464387, ClinGen allele CA18099537.
Genomic context (GRCh38, chr1:12,508,963, plus strand): 5'-AATCTGAGGTCCTTGCTGTCAAGTTGTCACAAGAAATAAACTACGCAAAGAGCCTCTACT[A>G]TGAACAGCAGCTTATGTTAAGACTCAGCGAAAACCGAGAGCAGCTGGAGCTGGACTCCTG-3'
Protein context (NP_056193.2, residues 4359-4379): QEINYAKSLY[Tyr4369Cys]EQQLMLRLSE